The following is an entry in ClinVar:

NM_002242.4(KCNJ13):c.998G>A (p.Ser333Asn)

Genes: GIGYF2 (GRB10 interacting GYF protein 2; plus strand), KCNJ13 (potassium inwardly rectifying channel subfamily J member 13; minus strand). Cytogenetic location: 2q37.1.
Variant type: single nucleotide variant.
Coding change: c.998G>A on transcript NM_002242.4 (MANE Select); coding-DNA position 998, G replaced by A.
Protein change: p.Ser333Asn; replaces serine 333 with asparagine.
Molecular consequence: missense variant. On other transcripts: 3 prime UTR variant (1), intron variant (4).
Genome position (GRCh38, 1-based): chr2:232,768,276, C>T on the plus strand (G>A on the coding strand, the complement: KCNJ13 is on the minus strand). VCF-style: chr2-232768276-C-T. GRCh37 (hg19) VCF-style: chr2-233632986-C-T.
Other names: c.*477G>A (NM_001172416.1); c.758G>A, p.Ser253Asn (NM_001172417.1); c.532+6840C>T (NM_001103146.3, NM_015575.4, NM_001103147.2 and 1 more transcripts); short protein forms S253N, S333N.
Identifiers: ClinVar variation 3287641 (VCV003287641.3).

ClinVar aggregate classification (germline): Uncertain significance. Review status: criteria provided, multiple submitters, no conflicts (2 of 4 stars). 2 submissions from 2 submitters: Uncertain significance (2). Last evaluated 2025-07-16.

gnomAD v4.1: 1 of 1,614,092 alleles (0.000062%); no homozygotes.

Submissions (2):

Labcorp Genetics (formerly Invitae), Labcorp
Classification: Uncertain significance. Last evaluated: 2025-07-16. Review status: criteria provided, single submitter. Criteria: Invitae Variant Classification Sherloc (09022015). Collection method: clinical testing. Allele origin: germline.
Comment: This sequence change replaces serine, which is neutral and polar, with asparagine, which is neutral and polar, at codon 333 of the KCNJ13 protein (p.Ser333Asn). This variant is present in population databases (rs781665941, gnomAD 0.0009%). This variant has not been reported in the literature in individuals affected with KCNJ13-related conditions. ClinVar contains an entry for this variant (Variation ID: 3287641). Invitae Evidence Modeling of protein sequence and biophysical properties (such as structural, functional, and spatial information, amino acid conservation, physicochemical variation, residue mobility, and thermodynamic stability) indicates that this missense variant is not expected to disrupt KCNJ13 protein function with a negative predictive value of 80%. In summary, the available evidence is currently insufficient to determine the role of this variant in disease. Therefore, it has been classified as a Variant of Uncertain Significance.

Ambry Genetics
Classification: Uncertain significance. Last evaluated: 2024-03-18. Review status: criteria provided, single submitter. Criteria: Ambry Variant Classification Scheme 2023. Collection method: clinical testing. Allele origin: germline.